The following is an entry in ClinVar:

ClinVar aggregate classification (germline): Uncertain significance. Review status: criteria provided, multiple submitters, no conflicts (2 of 4 stars). 2 submissions from 2 submitters: Uncertain significance (2). Last evaluated 2025-11-18.

Conditions:
Inborn genetic diseases. Identifiers: MedGen C0950123, MeSH D030342.

Allele frequency attached by ClinVar (database versions not stated): gnomAD exomes 0.00001 and 0.00002; ExAC 0.00001; gnomAD 0.00001.
gnomAD v4.1: 4 of 1,613,948 alleles (0.00025%); highest among the groups gnomAD compares: Admixed American, 0.005%; no homozygotes.

Submissions (2):

GeneDx
Classification: Uncertain significance. Last evaluated: 2025-11-18. Review status: criteria provided, single submitter. Criteria: GeneDx Variant Classification Process June 2021. Collection method: clinical testing. Allele origin: germline. Affected: yes.
Comment: In silico analysis suggests that this missense variant does not alter protein structure/function; Has not been previously published as pathogenic or benign to our knowledge

Ambry Genetics
Classification: Uncertain significance for Inborn genetic diseases. Last evaluated: 2021-06-18. Review status: criteria provided, single submitter. Criteria: Ambry Variant Classification Scheme 2023. Collection method: clinical testing. Allele origin: germline.

NM_004667.6(HERC2):c.3549T>G (p.His1183Gln)

Gene: HERC2 (HECT and RLD domain containing E3 ubiquitin protein ligase 2; minus strand). Cytogenetic location: 15q13.1.
Variant type: single nucleotide variant.
Coding change: c.3549T>G on transcript NM_004667.6 (MANE Select); coding-DNA position 3549, T replaced by G.
Protein change: p.His1183Gln; replaces histidine 1183 with glutamine.
Molecular consequence: missense variant.
Genome position (GRCh38, 1-based): chr15:28,245,909, A>C on the plus strand (T>G on the coding strand, the complement: HERC2 is on the minus strand). VCF-style: chr15-28245909-A-C. GRCh37 (hg19) VCF-style: chr15-28491055-A-C.
Other names: c.3549T>G (NM_004667.4); short protein forms H1183Q.
Identifiers: ClinVar variation 1683914 (VCV001683914.8), dbSNP rs769133410, ClinGen allele CA7442891.
Genomic context (GRCh38, chr15:28,245,909, plus strand): 5'-TTCCTCAGTAAAACTCCTTTAAGACGCCGTACCCATTATGCCAGGCCAGGCTAACTCTTC[A>C]TGATCATCCCGTTCCTTTCCTGGTGCCAGATGGTTGAACCGATCCAGATGTTCCAACAGG-3'
Protein context (NP_004658.3, residues 1173-1193): HLAPGKERDD[His1183Gln]EELAWPGIME